The following is an entry in ClinVar:

ClinVar aggregate classification (germline): Uncertain significance (1 of 4 stars; one submission).

Allele frequency attached by ClinVar (database versions not stated): gnomAD exomes below 0.00001; TOPMed below 0.00001; ExAC 0.00001.
gnomAD v4.1: 4 of 1,609,328 alleles (0.00025%); highest among the groups gnomAD compares: South Asian, 0.0022%; no homozygotes.

Submission:

Labcorp Genetics (formerly Invitae), Labcorp
Classification: Uncertain significance. Last evaluated: 2021-02-16. Review status: criteria provided, single submitter. Criteria: Invitae Variant Classification Sherloc (09022015). Collection method: clinical testing. Allele origin: germline.
Comment: In summary, the available evidence is currently insufficient to determine the role of this variant in disease. Therefore, it has been classified as a Variant of Uncertain Significance. Algorithms developed to predict the effect of missense changes on protein structure and function are either unavailable or do not agree on the potential impact of this missense change (SIFT: "Deleterious"; PolyPhen-2: "Probably Damaging"; Align-GVGD: "Class C0"). This variant has not been reported in the literature in individuals with SZT2-related conditions. This variant is present in population databases (rs768528200, ExAC 0.007%). This sequence change replaces isoleucine with valine at codon 3262 of the SZT2 protein (p.Ile3262Val). The isoleucine residue is highly conserved and there is a small physicochemical difference between isoleucine and valine.

NM_001365999.1(SZT2):c.9955A>G (p.Ile3319Val)

Genes: SZT2 (SZT2 subunit of KICSTOR complex; plus strand), SZT2-AS1 (SZT2 antisense RNA 1; minus strand). Cytogenetic location: 1p34.2.
Variant type: single nucleotide variant.
Coding change: c.9955A>G on transcript NM_001365999.1 (MANE Select); coding-DNA position 9955, A replaced by G.
Protein change: p.Ile3319Val; replaces isoleucine 3319 with valine.
Molecular consequence: missense variant. On other transcripts: non-coding transcript variant (1).
Genome position (GRCh38, 1-based): chr1:43,448,470, A>G. VCF-style: chr1-43448470-A-G. GRCh37 (hg19) VCF-style: chr1-43914141-A-G.
Other names: c.9784A>G, p.Ile3262Val (NM_015284.4); short protein forms I3262V, I3319V.
Identifiers: ClinVar variation 1352969 (VCV001352969.8), dbSNP rs768528200, ClinGen allele CA811040.